The following is an entry in ClinVar:

NM_001197104.2(KMT2A):c.2941C>T (p.Pro981Ser)

Gene: KMT2A (lysine methyltransferase 2A; plus strand). Cytogenetic location: 11q23.3.
Variant type: single nucleotide variant.
Coding change: c.2941C>T on transcript NM_001197104.2 (MANE Select); coding-DNA position 2941, C replaced by T.
Protein change: p.Pro981Ser; replaces proline 981 with serine.
Molecular consequence: missense variant.
Genome position (GRCh38, 1-based): chr11:118,474,100, C>T. VCF-style: chr11-118474100-C-T. GRCh37 (hg19) VCF-style: chr11-118344815-C-T.
Other names: c.3040C>T, p.Pro1014Ser (NM_001412597.1); c.2941C>T, p.Pro981Ser (NM_005933.4); short protein forms P1014S, P981S.
Identifiers: ClinVar variation 2821079 (VCV002821079.3), dbSNP rs375934901, ClinGen allele CA382818970.
Genomic context (GRCh38, chr11:118,474,100, plus strand): 5'-CTTATAAAGAAAGGGAGAGGAAATCTGGAAAAAACCAACTTGGACCTCGGCCCAACTGCC[C>T]CATCCCTGGAGAAGGAGAAAACCCTCTGCCTTTCCACTCCTTCATCTAGCACTGTTAAAC-3'
Protein context (NP_001184033.1, residues 971-991): KTNLDLGPTA[Pro981Ser]SLEKEKTLCL

ClinVar aggregate classification (germline): Uncertain significance (1 of 4 stars; one submission).

Submission:

Labcorp Genetics (formerly Invitae), Labcorp
Classification: Uncertain significance. Last evaluated: 2022-12-15. Review status: criteria provided, single submitter. Criteria: Invitae Variant Classification Sherloc (09022015). Collection method: clinical testing. Allele origin: germline.
Comment: In summary, the available evidence is currently insufficient to determine the role of this variant in disease. Therefore, it has been classified as a Variant of Uncertain Significance. Advanced modeling of protein sequence and biophysical properties (such as structural, functional, and spatial information, amino acid conservation, physicochemical variation, residue mobility, and thermodynamic stability) performed at Invitae indicates that this missense variant is not expected to disrupt KMT2A protein function. This variant has not been reported in the literature in individuals affected with KMT2A-related conditions. This variant is not present in population databases (gnomAD no frequency). This sequence change replaces proline, which is neutral and non-polar, with serine, which is neutral and polar, at codon 981 of the KMT2A protein (p.Pro981Ser).